The following is an entry in ClinVar:

ClinVar aggregate classification (germline): Uncertain significance (1 of 4 stars; one submission).

gnomAD v4.1: 6 of 1,601,576 alleles (0.00037%); highest among the groups gnomAD compares: Admixed American, 0.0068%; no homozygotes.

Submission:

GeneDx
Classification: Uncertain significance. Last evaluated: 2024-04-03. Review status: criteria provided, single submitter. Criteria: GeneDx Variant Classification Process June 2021. Collection method: clinical testing. Allele origin: germline. Affected: yes.
Comment: Not observed at significant frequency in large population cohorts (gnomAD); In silico analysis supports that this missense variant does not alter protein structure/function; Has not been previously published as pathogenic or benign to our knowledge

NM_020166.5(MCCC1):c.72C>G (p.Ser24Arg)

Gene: MCCC1 (methylcrotonyl-CoA carboxylase subunit 1; minus strand). Cytogenetic location: 3q27.1.
Variant type: single nucleotide variant.
Coding change: c.72C>G on transcript NM_020166.5 (MANE Select); coding-DNA position 72, C replaced by G.
Protein change: p.Ser24Arg; replaces serine 24 with arginine.
Molecular consequence: missense variant. On other transcripts: 5 prime UTR variant (2), non-coding transcript variant (1).
Genome position (GRCh38, 1-based): chr3:183,099,369, G>C on the plus strand (C>G on the coding strand, the complement: MCCC1 is on the minus strand). VCF-style: chr3-183099369-G-C. GRCh37 (hg19) VCF-style: chr3-182817157-G-C.
Other names: c.-21C>G (NM_001293273.2); c.-119C>G (NM_001363880.1); short protein forms S24R.
Identifiers: ClinVar variation 3372052 (VCV003372052.1).